The following is an entry in ClinVar:

ClinVar aggregate classification (germline): Uncertain significance (1 of 4 stars; one submission).

Conditions:
EGFR-related lung cancer (EGFR). Identifiers: MedGen CN130014.

Submission:

Labcorp Genetics (formerly Invitae), Labcorp
Classification: Uncertain significance for EGFR-related lung cancer. Last evaluated: 2023-10-06. Review status: criteria provided, single submitter. Criteria: Invitae Variant Classification Sherloc (09022015). Collection method: clinical testing. Allele origin: germline.
Comment: This sequence change replaces threonine, which is neutral and polar, with proline, which is neutral and non-polar, at codon 130 of the EGFR protein (p.Thr130Pro). This variant is not present in population databases (gnomAD no frequency). This variant has not been reported in the literature in individuals affected with EGFR-related conditions. Advanced modeling of protein sequence and biophysical properties (such as structural, functional, and spatial information, amino acid conservation, physicochemical variation, residue mobility, and thermodynamic stability) performed at Invitae indicates that this missense variant is not expected to disrupt EGFR protein function. In summary, the available evidence is currently insufficient to determine the role of this variant in disease. Therefore, it has been classified as a Variant of Uncertain Significance.

NM_005228.5(EGFR):c.388A>C (p.Thr130Pro)

Gene: EGFR (epidermal growth factor receptor; plus strand). Cytogenetic location: 7p11.2.
Variant type: single nucleotide variant.
Coding change: c.388A>C on transcript NM_005228.5 (MANE Select); coding-DNA position 388, A replaced by C.
Protein change: p.Thr130Pro; replaces threonine 130 with proline.
Molecular consequence: missense variant. On other transcripts: intron variant (1).
Genome position (GRCh38, 1-based): chr7:55,143,452, A>C. VCF-style: chr7-55143452-A-C. GRCh37 (hg19) VCF-style: chr7-55211145-A-C.
Other names: c.388A>C, p.Thr130Pro (NM_001346897.2, NM_001346898.2, NM_001346899.2 and 3 more transcripts); c.229A>C, p.Thr77Pro (NM_001346900.2); c.89-12378A>C (NM_001346941.2); short protein forms T130P, T77P.
Identifiers: ClinVar variation 2766240 (VCV002766240.3), dbSNP rs1794582450, ClinGen allele CA367575940.